The following is an entry in ClinVar:

NM_152564.5(VPS13B):c.5931del (p.Ala1978fs)

Gene: VPS13B (vacuolar protein sorting 13 homolog B; plus strand). Cytogenetic location: 8q22.2.
Variant type: Deletion.
Coding change: c.5931del on transcript NM_152564.5 (MANE Select); coding-DNA position 5931, one base deleted (A; older notation c.5931delA).
Protein change: p.Ala1978fs; shifts the reading frame from alanine 1978.
Molecular consequence: frameshift variant.
Genome position (GRCh38, 1-based): chr8:99,661,376, A deleted; the last of 2 consecutive A bases (chr8:99,661,375-99,661,376); deleting either gives the same sequence. VCF-style (leftmost placement, unchanged base first): chr8-99661374-GA-G. GRCh37 (hg19) VCF-style: chr8-100673602-GA-G.
Other names: c.6006del, p.Ala2003fs (NM_017890.5); short protein forms A2003fs, A1978fs.
Identifiers: ClinVar variation 1451399 (VCV001451399.6), dbSNP rs2129763497, ClinGen allele CA2573143583.

ClinVar aggregate classification (germline): Pathogenic (1 of 4 stars; one submission).

Conditions:
Cohen syndrome (COH1). Also called: Cutis verticis gyrata, retinitis pigmentosa, and sensorineural deafness; PEPPER SYNDROME. Identifiers: Orphanet 193, MedGen C0265223, MONDO:0008999, OMIM 216550.

Submission:

Labcorp Genetics (formerly Invitae), Labcorp
Classification: Pathogenic for Cohen syndrome. Last evaluated: 2021-11-09. Review status: criteria provided, single submitter. Criteria: Invitae Variant Classification Sherloc (09022015). Collection method: clinical testing. Allele origin: germline.
Comment: For these reasons, this variant has been classified as Pathogenic. This variant has not been reported in the literature in individuals affected with VPS13B-related conditions. This variant is not present in population databases (gnomAD no frequency). This sequence change creates a premature translational stop signal (p.Ala2003Profs*16) in the VPS13B gene. It is expected to result in an absent or disrupted protein product. Loss-of-function variants in VPS13B are known to be pathogenic (PMID: 15141358, 16648375, 20461111).

Literature cited by the submitters: PubMed 15141358; PubMed 16648375; PubMed 20461111.